The following is an entry in ClinVar:

NM_002519.3(NPAT):c.2861T>C (p.Val954Ala)

Gene: NPAT (nuclear protein, coactivator of histone transcription; minus strand). Cytogenetic location: 11q22.3.
Variant type: single nucleotide variant.
Coding change: c.2861T>C on transcript NM_002519.3 (MANE Select); coding-DNA position 2861, T replaced by C.
Protein change: p.Val954Ala; replaces valine 954 with alanine.
Molecular consequence: missense variant.
Genome position (GRCh38, 1-based): chr11:108,169,968, A>G on the plus strand (T>C on the coding strand, the complement: NPAT is on the minus strand). VCF-style: chr11-108169968-A-G. GRCh37 (hg19) VCF-style: chr11-108040695-A-G.
Other names: c.2861T>C, p.Val954Ala (NM_001321307.1); short protein forms V954A.
Identifiers: ClinVar variation 1796970 (VCV001796970.2), dbSNP rs1177415751, ClinGen allele CA382512074.

ClinVar aggregate classification (germline): Uncertain significance (1 of 4 stars; one submission).

Allele frequency attached by ClinVar (database versions not stated): gnomAD exomes below 0.00001; TOPMed below 0.00001; gnomAD 0.00001.
gnomAD v4.1: 3 of 1,613,884 alleles (0.00019%); highest among the groups gnomAD compares: African/African-American, 0.0013%; no homozygotes.

Submission:

Ambry Genetics
Classification: Uncertain significance. Last evaluated: 2021-09-27. Review status: criteria provided, single submitter. Criteria: Ambry Variant Classification Scheme 2023. Collection method: clinical testing. Allele origin: germline.
Comment: The p.V954A variant (also known as c.2861T>C), located in coding exon 14 of the NPAT gene, results from a T to C substitution at nucleotide position 2861. The valine at codon 954 is replaced by alanine, an amino acid with similar properties. This amino acid position is conserved. In addition, the in silico prediction for this alteration is inconclusive. Since supporting evidence is limited at this time, the clinical significance of this alteration remains unclear.